The following is an entry in ClinVar:

ClinVar aggregate classification (germline): Uncertain significance (1 of 4 stars; one submission).

Conditions:
Melanoma, cutaneous malignant, susceptibility to, 5. Also called: Cutaneous malignant melanoma 5. Identifiers: Orphanet 618, MedGen C2751295, MONDO:0013133, OMIM 613099.

Submission:

Labcorp Genetics (formerly Invitae), Labcorp
Classification: Uncertain significance for Melanoma, cutaneous malignant, susceptibility to, 5. Last evaluated: 2022-03-30. Review status: criteria provided, single submitter. Criteria: Invitae Variant Classification Sherloc (09022015). Collection method: clinical testing. Allele origin: germline.
Comment: In summary, the available evidence is currently insufficient to determine the role of this variant in disease. Therefore, it has been classified as a Variant of Uncertain Significance. Algorithms developed to predict the effect of sequence changes on RNA splicing suggest that this variant may disrupt the consensus splice site. This sequence change creates a premature translational stop signal (p.Trp317*) in the MC1R gene. While this is not anticipated to result in nonsense mediated decay, it is expected to disrupt the last 1 amino acid(s) of the MC1R protein. This variant is not present in population databases (gnomAD no frequency). This variant has not been reported in the literature in individuals affected with MC1R-related conditions.

NM_002386.4(MC1R):c.951G>A (p.Trp317Ter)

Gene: MC1R (melanocortin 1 receptor; plus strand). Cytogenetic location: 16q24.3.
Variant type: single nucleotide variant.
Coding change: c.951G>A on transcript NM_002386.4 (MANE Select); coding-DNA position 951, G replaced by A.
Protein change: p.Trp317Ter; replaces tryptophan 317 with a stop codon.
Molecular consequence: nonsense.
Genome position (GRCh38, 1-based): chr16:89,920,209, G>A. VCF-style: chr16-89920209-G-A. GRCh37 (hg19) VCF-style: chr16-89986617-G-A.
Other names: short protein forms W317*.
Identifiers: ClinVar variation 2108590 (VCV002108590.4), dbSNP rs765813858, ClinGen allele CA397464100.